The following is an entry in ClinVar:

NM_144670.6(A2ML1):c.4336A>G (p.Thr1446Ala)

Gene: A2ML1 (alpha-2-macroglobulin like 1; plus strand). Cytogenetic location: 12p13.31.
Variant type: single nucleotide variant.
Coding change: c.4336A>G on transcript NM_144670.6 (MANE Select); coding-DNA position 4336, A replaced by G.
Protein change: p.Thr1446Ala; replaces threonine 1446 with alanine.
Molecular consequence: missense variant.
Genome position (GRCh38, 1-based): chr12:8,874,982, A>G. VCF-style: chr12-8874982-A-G. GRCh37 (hg19) VCF-style: chr12-9027578-A-G.
Other names: c.2863A>G, p.Thr955Ala (NM_001282424.3); short protein forms T955A, T1446A.
Identifiers: ClinVar variation 4259914 (VCV004259914.1).

ClinVar aggregate classification (germline): Uncertain significance (1 of 4 stars; one submission).

gnomAD v4.1: 1 of 1,614,174 alleles (0.000062%); highest among the groups gnomAD compares: East Asian, 0.0022%; no homozygotes.

Submission:

Ambry Genetics
Classification: Uncertain significance. Last evaluated: 2025-08-12. Review status: criteria provided, single submitter. Criteria: Ambry Variant Classification Scheme 2023. Collection method: clinical testing. Allele origin: germline.
Comment: The p.T1446A variant (also known as c.4336A>G), located in coding exon 35 of the A2ML1 gene, results from an A to G substitution at nucleotide position 4336. The threonine at codon 1446 is replaced by alanine, an amino acid with similar properties. This amino acid position is conserved. In addition, this alteration is predicted to be tolerated by in silico analysis. Based on the available evidence, the clinical significance of this variant remains unclear.